The following is an entry in ClinVar:

NM_021167.5(GATAD1):c.107G>A (p.Arg36Gln)

Genes: GATAD1 (GATA zinc finger domain containing 1; plus strand), LOC129998793 (ATAC-STARR-seq lymphoblastoid silent region 18371; plus strand). Cytogenetic location: 7q21.2.
Variant type: single nucleotide variant.
Coding change: c.107G>A on transcript NM_021167.5 (MANE Select); coding-DNA position 107, G replaced by A.
Protein change: p.Arg36Gln; replaces arginine 36 with glutamine.
Molecular consequence: missense variant. On other transcripts: non-coding transcript variant (1).
Genome position (GRCh38, 1-based): chr7:92,447,836, G>A. VCF-style: chr7-92447836-G-A. GRCh37 (hg19) VCF-style: chr7-92077150-G-A.
Other names: short protein forms R36Q.
Identifiers: ClinVar variation 951279 (VCV000951279.13), dbSNP rs934989780, ClinGen allele CA161960736.

ClinVar aggregate classification (germline): Uncertain significance. Review status: criteria provided, multiple submitters, no conflicts (2 of 4 stars). 2 submissions from 2 submitters: Uncertain significance (2). Last evaluated 2024-11-05.

Conditions:
Cardiovascular phenotype. Identifiers: MedGen CN230736.
Dilated cardiomyopathy 2B. Identifiers: Orphanet 154, MedGen C3553409, MONDO:0013848, OMIM 614672.

Allele frequency attached by ClinVar (database versions not stated): TOPMed 0.00001.
gnomAD v4.1: 25 of 1,411,074 alleles (0.0018%); highest among the groups gnomAD compares: Non-Finnish European, 0.0021%; no homozygotes.

Submissions (2):

Labcorp Genetics (formerly Invitae), Labcorp
Classification: Uncertain significance for Dilated cardiomyopathy 2B. Last evaluated: 2024-11-05. Review status: criteria provided, single submitter. Criteria: Invitae Variant Classification Sherloc (09022015). Collection method: clinical testing. Allele origin: germline.
Comment: This sequence change replaces arginine, which is basic and polar, with glutamine, which is neutral and polar, at codon 36 of the GATAD1 protein (p.Arg36Gln). The frequency data for this variant in the population databases is considered unreliable, as metrics indicate poor data quality at this position in the gnomAD database. This variant has not been reported in the literature in individuals affected with GATAD1-related conditions. ClinVar contains an entry for this variant (Variation ID: 951279). Invitae Evidence Modeling of protein sequence and biophysical properties (such as structural, functional, and spatial information, amino acid conservation, physicochemical variation, residue mobility, and thermodynamic stability) indicates that this missense variant is not expected to disrupt GATAD1 protein function with a negative predictive value of 80%. In summary, the available evidence is currently insufficient to determine the role of this variant in disease. Therefore, it has been classified as a Variant of Uncertain Significance.

Ambry Genetics
Classification: Uncertain significance for Cardiovascular phenotype. Last evaluated: 2023-06-21. Review status: criteria provided, single submitter. Criteria: Ambry Variant Classification Scheme 2023. Collection method: clinical testing. Allele origin: germline.
Comment: The p.R36Q variant (also known as c.107G>A), located in coding exon 1 of the GATAD1 gene, results from a G to A substitution at nucleotide position 107. The arginine at codon 36 is replaced by glutamine, an amino acid with highly similar properties. This amino acid position is well conserved in available vertebrate species. In addition, this alteration is predicted to be tolerated by in silico analysis. The evidence for this gene-disease relationship is limited; therefore, the clinical significance of this alteration is unclear.